The following is an entry in ClinVar:

NM_201548.5(CERKL):c.426_430del (p.Asn142fs)

Gene: CERKL (CERK like autophagy regulator; minus strand). Cytogenetic location: 2q31.3.
Variant type: Deletion.
Coding change: c.426_430del on transcript NM_201548.5 (MANE Select); coding-DNA positions 426 to 430, 5 bases deleted (TTTAA; older notation c.426_430delTTTAA).
Protein change: p.Asn142fs; shifts the reading frame from asparagine 142.
Molecular consequence: frameshift variant. On other transcripts: non-coding transcript variant (2).
Genome position (GRCh38, 1-based): chr2:181,603,888-181,603,892, TTAAA deleted on the plus strand (TTTAA on the coding strand, the reverse complement: CERKL is on the minus strand); deleting any 5 consecutive bases within chr2:181,603,888-181,603,896 gives the same sequence; the c. name uses the placement nearest the transcript's 3' end. VCF-style (leftmost placement, unchanged base first): chr2-181603887-CTTAAA-C. GRCh37 (hg19) VCF-style: chr2-182468614-CTTAAA-C.
Other names: c.426_430delTTTAA (NM_001030311.2); c.426_430del, p.Asn142fs (NM_001030311.3, NM_001030312.3, NM_001030313.3 and 1 more transcripts); c.422_426delTTAAT, p.Asn142Lysfs (NM_001030314.1, NM_001030315.1); short protein forms N142fs.
Identifiers: ClinVar variation 2793570 (VCV002793570.5), dbSNP rs1347692516, ClinGen allele CA538438766.
Genomic context (GRCh38, chr2:181,603,887, plus strand): 5'-GAGTACTTACCTGCCAATATTTTCTTGAACTGTCTAAACCATATGTCACAGTGGTCTTCA[CTTAAA>C]TTAATAAGATCAAGTGTAGAATTCTTTAGTTTATTTTGTTCCTTTTTCAAGCAGATGAAG-3'

ClinVar aggregate classification (germline): Pathogenic/Likely pathogenic. Review status: criteria provided, multiple submitters, no conflicts (2 of 4 stars). 3 submissions from 3 submitters: Pathogenic (1); Likely pathogenic (2). Last evaluated 2024-08-30.

Conditions:
CERKL-related disorders.
Retinitis pigmentosa 26 (RP26). Identifiers: Orphanet 791, MedGen C1842127, MONDO:0012024, OMIM 608380.

Submissions (3):

Natera, Inc.
Classification: Likely pathogenic for Retinitis Pigmentosa 26. Last evaluated: 2024-08-30. Review status: criteria provided, single submitter. Criteria: Natera Variant Classification Schema (03/2026). Collection method: clinical testing. Allele origin: germline.
Comment: The c.426_430delTTTAA variant in CERKL is a frameshift variant predicted to shift the reading frame beginning at codon 142 and leads to a stop codon 2 codons downstream. This variant is expected to result in nonsense mediated decay, truncation, or a dysfunctional protein product. This variant is rare in the general population with a frequency below the threshold expected for the associated phenotype(s). Given the available evidence, this variant is classified as Likely Pathogenic.

Labcorp Genetics (formerly Invitae), Labcorp
Classification: Pathogenic. Last evaluated: 2023-06-16. Review status: criteria provided, single submitter. Criteria: Invitae Variant Classification Sherloc (09022015). Collection method: clinical testing. Allele origin: germline.
Comment: This sequence change creates a premature translational stop signal (p.Asn142Lysfs*2) in the CERKL gene. It is expected to result in an absent or disrupted protein product. Loss-of-function variants in CERKL are known to be pathogenic (PMID: 14681825, 23591405, 24043777). For these reasons, this variant has been classified as Pathogenic. This variant has not been reported in the literature in individuals affected with CERKL-related conditions. This variant is present in population databases (no rsID available, gnomAD 0.0009%).

Blueprint Genetics
Classification: Likely pathogenic for CERKL-related disorders. Last evaluated: 2022-09-05. Review status: criteria provided, single submitter. Criteria: ACMG Guidelines, 2015. Collection method: clinical testing. Allele origin: germline. Affected: yes. Observed: 2 variant alleles.

Literature cited by the submitters: PubMed 14681825 (cited by Labcorp Genetics (formerly Invitae), Labcorp); PubMed 23591405 (cited by Labcorp Genetics (formerly Invitae), Labcorp); PubMed 24043777 (cited by Labcorp Genetics (formerly Invitae), Labcorp).